The following is an entry in ClinVar:

ClinVar aggregate classification (germline): Uncertain significance (1 of 4 stars; one submission).

Conditions:
RASopathy. Also called: rasopathies; Noonan spectrum disorder. Identifiers: Orphanet 536391, MedGen C5555857, MONDO:0021060.

gnomAD v4.1: 19 of 1,393,602 alleles (0.0014%); highest among the groups gnomAD compares: Non-Finnish European, 0.0018%; no homozygotes.

Submission:

Labcorp Genetics (formerly Invitae), Labcorp
Classification: Uncertain significance for RASopathy. Last evaluated: 2025-01-07. Review status: criteria provided, single submitter. Criteria: Invitae Variant Classification Sherloc (09022015). Collection method: clinical testing. Allele origin: germline.
Comment: This sequence change replaces glutamine, which is neutral and polar, with glutamic acid, which is acidic and polar, at codon 16 of the BRAF protein (p.Gln16Glu). This variant is not present in population databases (gnomAD no frequency). This variant has not been reported in the literature in individuals affected with BRAF-related conditions. Invitae Evidence Modeling of protein sequence and biophysical properties (such as structural, functional, and spatial information, amino acid conservation, physicochemical variation, residue mobility, and thermodynamic stability) indicates that this missense variant is not expected to disrupt BRAF protein function with a negative predictive value of 95%. In summary, the available evidence is currently insufficient to determine the role of this variant in disease. Therefore, it has been classified as a Variant of Uncertain Significance.

NM_004333.6(BRAF):c.46C>G (p.Gln16Glu)

Gene: BRAF (B-Raf proto-oncogene, serine/threonine kinase; minus strand). Cytogenetic location: 7q34.
Variant type: single nucleotide variant.
Coding change: c.46C>G on transcript NM_004333.6 (MANE Select); coding-DNA position 46, C replaced by G.
Protein change: p.Gln16Glu; replaces glutamine 16 with glutamic acid.
Molecular consequence: missense variant.
Genome position (GRCh38, 1-based): chr7:140,924,658, G>C on the plus strand (C>G on the coding strand, the complement: BRAF is on the minus strand). VCF-style: chr7-140924658-G-C. GRCh37 (hg19) VCF-style: chr7-140624458-G-C.
Other names: c.46C>G, p.Gln16Glu (NM_001354609.2, NM_001374244.1, NM_001374258.1 and 7 more transcripts); short protein forms Q16E.
Identifiers: ClinVar variation 3681331 (VCV003681331.2).